The following is an entry in ClinVar:

NM_000048.4(ASL):c.281G>A (p.Arg94His)

Gene: ASL (argininosuccinate lyase; plus strand). Cytogenetic location: 7q11.21.
Variant type: single nucleotide variant.
Coding change: c.281G>A on transcript NM_000048.4 (MANE Select); coding-DNA position 281, G replaced by A.
Protein change: p.Arg94His; replaces arginine 94 with histidine.
Molecular consequence: missense variant.
Genome position (GRCh38, 1-based): chr7:66,082,441, G>A. VCF-style: chr7-66082441-G-A. GRCh37 (hg19) VCF-style: chr7-65547428-G-A.
Other names: c.281G>A, p.Arg94His (NM_001024943.2, NM_001024944.2, NM_001024946.2); short protein forms R94H.
Identifiers: ClinVar variation 550701 (VCV000550701.10), dbSNP rs777437569, ClinGen allele CA159926331.

ClinVar aggregate classification (germline): Likely pathogenic. Review status: criteria provided, multiple submitters, no conflicts (2 of 4 stars). 4 submissions from 4 submitters: Likely pathogenic (3). 1 of the submissions does not count toward it. Last evaluated 2025-11-14.

Conditions:
Argininosuccinate lyase deficiency. Also called: ARGININOSUCCINIC ACID LYASE DEFICIENCY; ASL DEFICIENCY; Argininosuccinic aciduria. Identifiers: Orphanet 23, MedGen C0268547, MONDO:0008815, OMIM 207900, HP:0025630.

Allele frequency attached by ClinVar (database versions not stated): gnomAD exomes below 0.00001; TOPMed below 0.00001; gnomAD 0.00001.
gnomAD v4.1: 4 of 1,609,724 alleles (0.00025%); highest among the groups gnomAD compares: East Asian, 0.0022%; no homozygotes.

Submissions (4):

Natera, Inc.
Classification: Likely pathogenic for Argininosuccinate lyase deficiency. Last evaluated: 2025-11-14. Review status: criteria provided, single submitter. Criteria: Natera Variant Classification Schema (03/2026). Collection method: clinical testing. Allele origin: germline.
Comment: The c.281G>A variant in ASL is a missense variant predicted to cause substitution of arginine to histidine at amino acid 94. This variant is rare in the general population with a frequency below the threshold expected for the associated phenotype(s). This variant has been observed in one or more individuals affected with the associated recessive disease, as either homozygous or compound heterozygous with a second variant (PMID: 24166829). A different variant at the same position has been determined to be Pathogenic or Likely Pathogenic. Computational prediction algorithms indicate this variant is likely to affect gene or protein function. Given the available evidence, this variant is classified as Likely Pathogenic.

GeneDx
Classification: Likely pathogenic. Last evaluated: 2024-09-19. Review status: criteria provided, single submitter. Criteria: GeneDx Variant Classification Process June 2021. Collection method: clinical testing. Allele origin: germline. Affected: yes.
Comment: In a cohort of individuals reported to have ASL deficiency, R94H reported in an individual in whom a second variant was identified, however clinical and biochemical information was not provided (PMID: 24166829); Not observed at significant frequency in large population cohorts (gnomAD); In silico analysis supports that this missense variant has a deleterious effect on protein structure/function; This variant is associated with the following publications: (PMID: 24166829, 26745957)

Labcorp Genetics (formerly Invitae), Labcorp
Classification: Likely pathogenic for Argininosuccinate lyase deficiency. Last evaluated: 2023-12-13. Review status: criteria provided, single submitter. Criteria: Invitae Variant Classification Sherloc (09022015). Collection method: clinical testing. Allele origin: germline.
Comment: This sequence change replaces arginine, which is basic and polar, with histidine, which is basic and polar, at codon 94 of the ASL protein (p.Arg94His). This variant is not present in population databases (gnomAD no frequency). This missense change has been observed in individual(s) with argininosuccinate lyase deficiency (PMID: 24166829). ClinVar contains an entry for this variant (Variation ID: 550701). Advanced modeling of protein sequence and biophysical properties (such as structural, functional, and spatial information, amino acid conservation, physicochemical variation, residue mobility, and thermodynamic stability) performed at Invitae indicates that this missense variant is expected to disrupt ASL protein function with a positive predictive value of 95%. This variant disrupts the p.Arg94 amino acid residue in ASL. Other variant(s) that disrupt this residue have been determined to be pathogenic (PMID: 24166829, 26745957; Invitae). This suggests that this residue is clinically significant, and that variants that disrupt this residue are likely to be disease-causing. In summary, the currently available evidence indicates that the variant is pathogenic, but additional data are needed to prove that conclusively. Therefore, this variant has been classified as Likely Pathogenic.

Counsyl
Classification: Uncertain significance for Argininosuccinate lyase deficiency. Last evaluated: 2017-02-15. Review status: no assertion criteria provided. Collection method: clinical testing. Allele origin: unknown. Not counted in ClinVar's aggregate classification.

Literature cited by the submitters: PubMed 24166829 (cited by 3 submitters); PubMed 26745957 (cited by Labcorp Genetics (formerly Invitae), Labcorp).